The following is an entry in ClinVar:

ClinVar aggregate classification (germline): Uncertain significance (1 of 4 stars; one submission).

Conditions:
Developmental and epileptic encephalopathy, 2 (DEE2). Also called: INFANTILE SPASM SYNDROME, X-LINKED 2; CDKL5 deficiency disorder. Identifiers: Orphanet 1934, Orphanet 3451, Orphanet 505652, MedGen C4750718, MONDO:0010396, OMIM 300672.
Angelman syndrome-like. Identifiers: MedGen CN128785.

Allele frequency attached by ClinVar (database versions not stated): gnomAD exomes below 0.00001; TOPMed below 0.00001; gnomAD 0.00001.
gnomAD v4.1: 4 of 1,209,797 alleles (0.00033%); highest among the groups gnomAD compares: African/African-American, 0.0018%; no homozygotes.

Submission:

Labcorp Genetics (formerly Invitae), Labcorp
Classification: Uncertain significance for Developmental and epileptic encephalopathy, 2; Angelman syndrome-like. Last evaluated: 2022-10-17. Review status: criteria provided, single submitter. Criteria: Invitae Variant Classification Sherloc (09022015). Collection method: clinical testing. Allele origin: germline.
Comment: In summary, the available evidence is currently insufficient to determine the role of this variant in disease. Therefore, it has been classified as a Variant of Uncertain Significance. Advanced modeling of protein sequence and biophysical properties (such as structural, functional, and spatial information, amino acid conservation, physicochemical variation, residue mobility, and thermodynamic stability) performed at Invitae indicates that this missense variant is not expected to disrupt CDKL5 protein function. This variant has not been reported in the literature in individuals affected with CDKL5-related conditions. This variant is not present in population databases (gnomAD no frequency). This sequence change replaces threonine, which is neutral and polar, with isoleucine, which is neutral and non-polar, at codon 531 of the CDKL5 protein (p.Thr531Ile).

NM_001323289.2(CDKL5):c.1592C>T (p.Thr531Ile)

Gene: CDKL5 (cyclin dependent kinase like 5; plus strand). Cytogenetic location: Xp22.13.
Variant type: single nucleotide variant.
Coding change: c.1592C>T on transcript NM_001323289.2 (MANE Select); coding-DNA position 1592, C replaced by T.
Protein change: p.Thr531Ile; replaces threonine 531 with isoleucine.
Molecular consequence: missense variant.
Genome position (GRCh38, 1-based): chrX:18,604,516, C>T. VCF-style: chrX-18604516-C-T. GRCh37 (hg19) VCF-style: chrX-18622636-C-T.
Other names: c.1592C>T, p.Thr531Ile (NM_001037343.2, NM_003159.3); short protein forms T531I.
Identifiers: ClinVar variation 2123565 (VCV002123565.4), dbSNP rs1241623214, ClinGen allele CA412361848.
Genomic context (GRCh38, chrX:18,604,516, plus strand): 5'-CCAGTACCAGTAGGTACTTCCCATCTAGCTGCTTAGACTTGAATTCTCCCACCAGCCCAA[C>T]CCCCACCAGACACAGTGACACGAGAACTTTGCTCAGCCCTTCTGGAAGAAATAACCGAAA-3'
Protein context (NP_001310218.1, residues 521-541): CLDLNSPTSP[Thr531Ile]PTRHSDTRTL